The following is an entry in ClinVar:

NM_014991.6(WDFY3):c.5146C>T (p.Gln1716Ter)

Gene: WDFY3 (WD repeat and FYVE domain containing 3; minus strand). Cytogenetic location: 4q21.23.
Variant type: single nucleotide variant.
Coding change: c.5146C>T on transcript NM_014991.6 (MANE Select); coding-DNA position 5146, C replaced by T.
Protein change: p.Gln1716Ter; replaces glutamine 1716 with a stop codon.
Molecular consequence: nonsense.
Genome position (GRCh38, 1-based): chr4:84,765,852, G>A on the plus strand (C>T on the coding strand, the complement: WDFY3 is on the minus strand). VCF-style: chr4-84765852-G-A. GRCh37 (hg19) VCF-style: chr4-85687005-G-A.
Other names: short protein forms Q1716*.
Identifiers: ClinVar variation 4823753 (VCV004823753.4).

ClinVar aggregate classification (germline): Pathogenic (1 of 4 stars; one submission).

gnomAD v4.1: 1 of 1,613,922 alleles (0.000062%); highest among the groups gnomAD compares: Non-Finnish European, 0.000085%; no homozygotes.

Submission:

CeGaT Center for Human Genetics Tuebingen
Classification: Pathogenic. Last evaluated: 2026-03-01. Review status: criteria provided, single submitter. Criteria: CeGaT Center For Human Genetics Tuebingen Variant Classification Criteria Version 2. Collection method: clinical testing. Allele origin: germline. Affected: yes. Observed: 1 variant allele.
Comment: WDFY3: PVS1, PM2